The following is an entry in ClinVar:

ClinVar aggregate classification (germline): Uncertain significance. Review status: criteria provided, multiple submitters, no conflicts (2 of 4 stars). 2 submissions from 2 submitters: Uncertain significance (2). Last evaluated 2025-05-28.

Allele frequency attached by ClinVar (database versions not stated): TOPMed 0.00002; gnomAD 0.00003.
gnomAD v4.1: 102 of 1,607,546 alleles (0.0063%); highest among the groups gnomAD compares: Non-Finnish European, 0.0078%; no homozygotes.

Submissions (2):

Women's Health and Genetics/Laboratory Corporation of America, LabCorp
Classification: Uncertain significance. Last evaluated: 2025-05-28. Review status: criteria provided, single submitter. Criteria: LabCorp Variant Classification Summary - May 2015. Collection method: clinical testing. Allele origin: germline.
Comment: Variant summary: CACNA1G c.1741G>A (p.Gly581Ser) results in a non-conservative amino acid change in the encoded protein sequence. Algorithms developed to predict the effect of missense changes on protein structure and function are either unavailable or do not agree on the potential impact of this missense change. The variant allele was found at a frequency of 3.8e-05 in 235048 control chromosomes (gnomAD). The available data on variant occurrences in the general population are insufficient to allow any conclusion about variant significance. To our knowledge, no occurrence of c.1741G>A in individuals affected with Spinocerebellar Ataxia Type 42 and no experimental evidence demonstrating its impact on protein function have been reported. ClinVar contains an entry for this variant (Variation ID: 383945). Based on the evidence outlined above, the variant was classified as uncertain significance.

GeneDx
Classification: Uncertain significance. Last evaluated: 2016-03-05. Review status: criteria provided, single submitter. Criteria: GeneDx Variant Classification (06012015). Collection method: clinical testing. Allele origin: germline. Affected: yes.
Comment: The G581S variant in the CACNA1G gene has not been reported previously as a pathogenic variant, nor as a benign variant, to our knowledge. The G581S variant was not observed in approximately 620 individuals of European and African American ancestry in the NHLBI Exome Sequencing Project, indicating it is not a common benign variant in these populations. The G581S variant is a non-conservative amino acid substitution, which is likely to impact secondary protein structure as these residues differ in polarity, charge, size and/or other properties. This substitution occurs at a position that is not conserved and in silico analysis predicts this variant likely does not alter the protein structure/function. We interpret G581S as a variant of uncertain significance

NM_018896.5(CACNA1G):c.1741G>A (p.Gly581Ser)

Gene: CACNA1G (calcium voltage-gated channel subunit alpha1 G; plus strand). Cytogenetic location: 17q21.33.
Variant type: single nucleotide variant.
Coding change: c.1741G>A on transcript NM_018896.5 (MANE Select); coding-DNA position 1741, G replaced by A.
Protein change: p.Gly581Ser; replaces glycine 581 with serine.
Molecular consequence: missense variant. On other transcripts: non-coding transcript variant (5).
Genome position (GRCh38, 1-based): chr17:50,576,143, G>A. VCF-style: chr17-50576143-G-A. GRCh37 (hg19) VCF-style: chr17-48653504-G-A.
Other names: c.1741G>A, p.Gly581Ser (NM_001256324.2, NM_001256325.2, NM_001256326.2 and 24 more transcripts); short protein forms G581S.
Identifiers: ClinVar variation 383945 (VCV000383945.3), dbSNP rs780152569, ClinGen allele CA8652229.